The following is an entry in ClinVar:

NM_000091.5(COL4A3):c.2012G>A (p.Gly671Asp)

Genes: COL4A3 (collagen type IV alpha 3 chain; plus strand), MFF-DT (MFF divergent transcript; minus strand). Cytogenetic location: 2q36.3.
Variant type: single nucleotide variant.
Coding change: c.2012G>A on transcript NM_000091.5 (MANE Select); coding-DNA position 2012, G replaced by A.
Protein change: p.Gly671Asp; replaces glycine 671 with aspartic acid.
Molecular consequence: missense variant.
Genome position (GRCh38, 1-based): chr2:227,276,469, G>A. VCF-style: chr2-227276469-G-A. GRCh37 (hg19) VCF-style: chr2-228141185-G-A.
Other names: short protein forms G671D.
Identifiers: ClinVar variation 427097 (VCV000427097.13), dbSNP rs1085307955, ClinGen allele CA350846486.
Genomic context (GRCh38, chr2:227,276,469, plus strand): 5'-CAACACCAGTTCCAGGCCCACCAGGACCTCCAGGGCCCCCTGGCCATCCTGGCCCCCAAG[G>A]TCCACCTGGTAAGTATCCTCTGCCAAATCTGGTACATGGCATCAGACACACACAACACCC-3'
Protein context (NP_000082.2, residues 661-681): PGPPGHPGPQ[Gly671Asp]PPGIPGSLGK

ClinVar aggregate classification (germline): Uncertain significance. Review status: criteria provided, multiple submitters, no conflicts (2 of 4 stars). 2 submissions from 2 submitters: Uncertain significance (2). Last evaluated 2026-01-06.

Allele frequency attached by ClinVar (database versions not stated): gnomAD exomes below 0.00001; TOPMed below 0.00001; gnomAD 0.00001.
gnomAD v4.1: 2 of 1,613,392 alleles (0.00012%); highest among the groups gnomAD compares: Non-Finnish European, 0.00017%; no homozygotes.

Submissions (2):

GeneDx
Classification: Uncertain significance. Last evaluated: 2026-01-06. Review status: criteria provided, single submitter. Criteria: GeneDx Variant Classification Process June 2021. Collection method: clinical testing. Allele origin: germline. Affected: yes.
Comment: Not observed at significant frequency in large population cohorts (gnomAD); In silico analysis supports that this missense variant has a deleterious effect on protein structure/function; Has not been previously published as pathogenic or benign to our knowledge; Affects a glycine residue in a Gly-X-Y motif in the triple helical region of the COL4A3 gene

Labcorp Genetics (formerly Invitae), Labcorp
Classification: Uncertain significance. Last evaluated: 2023-07-13. Review status: criteria provided, single submitter. Criteria: Invitae Variant Classification Sherloc (09022015). Collection method: clinical testing. Allele origin: germline.
Comment: This sequence change replaces glycine, which is neutral and non-polar, with aspartic acid, which is acidic and polar, at codon 671 of the COL4A3 protein (p.Gly671Asp). In summary, the available evidence is currently insufficient to determine the role of this variant in disease. Therefore, it has been classified as a Variant of Uncertain Significance. Advanced modeling of protein sequence and biophysical properties (such as structural, functional, and spatial information, amino acid conservation, physicochemical variation, residue mobility, and thermodynamic stability) performed at Invitae indicates that this missense variant is expected to disrupt COL4A3 protein function. ClinVar contains an entry for this variant (Variation ID: 427097). This variant has not been reported in the literature in individuals affected with COL4A3-related conditions. This variant is not present in population databases (gnomAD no frequency).